The following is an entry in ClinVar:

ClinVar aggregate classification (germline): Conflicting classifications of pathogenicity. Review status: criteria provided, conflicting classifications (1 of 4 stars). 3 submissions from 3 submitters: Uncertain significance (1); Likely benign (1). 1 of the submissions does not count toward it. Last evaluated 2024-11-15.

Conditions:
NBEAL2-related disorder. Also called: NBEAL2-related condition.
Gray platelet syndrome (GPS). Also called: BLEEDING DISORDER, PLATELET-TYPE, 4. Identifiers: Orphanet 721, MedGen C0272302, MONDO:0007686, OMIM 139090.

Allele frequency attached by ClinVar (database versions not stated): gnomAD 0.00008 and 0.00011; gnomAD exomes 0.00011 and 0.00020; TOPMed 0.00013; 1000 Genomes Project 30x 0.00016; 1000 Genomes Project 0.00020; ExAC 0.00025.

Submissions (3):

Blueprint Genetics
Classification: Likely benign. Last evaluated: 2024-11-15. Review status: criteria provided, single submitter. Criteria: ACMG Guidelines, 2015. Collection method: clinical testing. Allele origin: germline.

Illumina Laboratory Services, Illumina
Classification: Uncertain significance for Gray platelet syndrome. Last evaluated: 2018-01-12. Review status: criteria provided, single submitter. Criteria: ICSL Variant Classification Criteria 13 December 2019. Collection method: clinical testing. Allele origin: germline.

PreventionGenetics, part of Exact Sciences
Classification: Likely benign for NBEAL2-related condition. Last evaluated: 2019-03-26. Review status: no assertion criteria provided. Collection method: clinical testing. Allele origin: germline. Not counted in ClinVar's aggregate classification.
Comment: This variant is classified as likely benign based on ACMG/AMP sequence variant interpretation guidelines (Richards et al. 2015 PMID: 25741868, with internal and published modifications).

NM_015175.3(NBEAL2):c.690G>C (p.Leu230=)

Gene: NBEAL2 (neurobeachin like 2; plus strand). Cytogenetic location: 3p21.31.
Variant type: single nucleotide variant.
Coding change: c.690G>C on transcript NM_015175.3 (MANE Select); coding-DNA position 690, G replaced by C.
Protein change: p.Leu230=; no amino-acid change (leucine 230 retained).
Molecular consequence: synonymous variant.
Genome position (GRCh38, 1-based): chr3:46,991,453, G>C. VCF-style: chr3-46991453-G-C. GRCh37 (hg19) VCF-style: chr3-47032943-G-C.
Other names: c.669G>C, p.Leu223= (NM_001365116.2).
Identifiers: ClinVar variation 345619 (VCV000345619.8), dbSNP rs181297174, ClinGen allele CA2360186.